The following is an entry in ClinVar:

NM_001999.4(FBN2):c.*1277G>A

Gene: FBN2 (fibrillin 2; minus strand). Cytogenetic location: 5q23.3.
Variant type: single nucleotide variant.
Coding change: c.*1277G>A on transcript NM_001999.4 (MANE Select); 1277 bases downstream of the stop codon, G replaced by A.
Molecular consequence: 3 prime UTR variant.
Genome position (GRCh38, 1-based): chr5:128,258,178, C>T on the plus strand (G>A on the coding strand, the complement: FBN2 is on the minus strand). VCF-style: chr5-128258178-C-T. GRCh37 (hg19) VCF-style: chr5-127593870-C-T.
Identifiers: ClinVar variation 350731 (VCV000350731.5), dbSNP rs7288, ClinGen allele CA10618960.

ClinVar aggregate classification (germline): Benign (1 of 4 stars; one submission).

Conditions:
Congenital contractural arachnodactyly (CCA). Also called: BEALS SYNDROME; Beals-Hecht syndrome; Arthrogryposis, distal, type 9. Identifiers: Orphanet 115, MedGen C0220668, MONDO:0007363, OMIM 121050.

Allele frequency attached by ClinVar (database versions not stated): 1000 Genomes Project 0.11422; 1000 Genomes Project 30x 0.11493; TOPMed 0.12784; gnomAD 0.13163 and 0.13531; gnomAD exomes 0.16121.
gnomAD v4.1: 20,039 of 152,526 alleles (13%); highest among the groups gnomAD compares: African/African-American, 18%; 1,498 homozygotes.

Submission:

Illumina Laboratory Services, Illumina
Classification: Benign for Congenital contractural arachnodactyly. Last evaluated: 2018-01-12. Review status: criteria provided, single submitter. Criteria: ICSL Variant Classification Criteria 13 December 2019. Collection method: clinical testing. Allele origin: germline.
Comment: This variant was observed in the ICSL laboratory as part of a predisposition screen in an ostensibly healthy population. It had not been previously curated by ICSL or reported in the Human Gene Mutation Database (HGMD: prior to June 1st, 2018), and was therefore a candidate for classification through an automated scoring system. Utilizing variant allele frequency, disease prevalence and penetrance estimates, and inheritance mode, an automated score was calculated to assess if this variant is too frequent to cause the disease. Based on the score and internal cut-off values, a variant classified as benign is not then subjected to further curation. The score for this variant resulted in a classification of benign for this disease.